The following is an entry in ClinVar:

ClinVar aggregate classification (germline): Uncertain significance (1 of 4 stars; one submission).

Conditions:
Malignant hyperthermia, susceptibility to, 5 (MHS5). Also called: CACNA1S-Related Malignant Hyperthermia Susceptibility. Identifiers: Orphanet 423, MedGen C1866077, MONDO:0011163, OMIM 601887.

Allele frequency attached by ClinVar (database versions not stated): gnomAD exomes below 0.00001; TOPMed below 0.00001; gnomAD 0.00001.
gnomAD v4.1: 3 of 1,613,736 alleles (0.00019%); highest among the groups gnomAD compares: Non-Finnish European, 0.00025%; no homozygotes.

Submission:

All of Us Research Program, National Institutes of Health
Classification: Uncertain significance for Malignant hyperthermia, susceptibility to, 5. Last evaluated: 2023-06-08. Review status: criteria provided, single submitter. Criteria: ACMG Guidelines, 2015. Collection method: clinical testing. Allele origin: germline. Inheritance: Autosomal dominant inheritance. Observed: 1 variant allele, 1 heterozygote.
Comment: This missense variant replaces tyrosine with histidine at codon 1543 of the CACNA1S protein. Computational prediction suggests that this variant may not impact protein structure and function (internally defined REVEL score threshold <= 0.5, PMID: 27666373). To our knowledge, functional studies have not been reported for this variant. This variant has not been reported in individuals affected with CACNA1S-related disorders in the literature. This variant has not been identified in the general population by the Genome Aggregation Database (gnomAD). The available evidence is insufficient to determine the role of this variant in disease conclusively. Therefore, this variant is classified as a Variant of Uncertain Significance.

This study involves interpretation of variants in research participants for the purpose of population health screening. Participant phenotype was not available at the time of variant classification. Additional details can be found in publication PMID: 35346344, PMCID: PMC8962531

NM_000069.3(CACNA1S):c.4627T>C (p.Tyr1543His)

Gene: CACNA1S (calcium voltage-gated channel subunit alpha1 S; minus strand). Cytogenetic location: 1q32.1.
Variant type: single nucleotide variant.
Coding change: c.4627T>C on transcript NM_000069.3 (MANE Select); coding-DNA position 4627, T replaced by C.
Protein change: p.Tyr1543His; replaces tyrosine 1543 with histidine.
Molecular consequence: missense variant.
Genome position (GRCh38, 1-based): chr1:201,047,156, A>G on the plus strand (T>C on the coding strand, the complement: CACNA1S is on the minus strand). VCF-style: chr1-201047156-A-G. GRCh37 (hg19) VCF-style: chr1-201016284-A-G.
Other names: short protein forms Y1543H.
Identifiers: ClinVar variation 3071571 (VCV003071571.1), dbSNP rs1480075386, ClinGen allele CA344141801.
Genomic context (GRCh38, chr1:201,047,156, plus strand): 5'-ATACCTGGATTGGGCTTACCTGGATCTGTACAATGTCCTTCTTGGGCCGATAGCCATAAT[A>G]CTCCTCTTGGCGTTTCATGAACTTCCGGAAGTGCTCCTGGATGAGGAATGTGGCGTAGAA-3'
Protein context (NP_000060.2, residues 1533-1553): FRKFMKRQEE[Tyr1543His]YGYRPKKDIV